The following is an entry in ClinVar:

ClinVar aggregate classification (germline): Uncertain significance. Review status: criteria provided, multiple submitters, no conflicts (2 of 4 stars). 2 submissions from 2 submitters: Uncertain significance (2). Last evaluated 2025-08-28.

Conditions:
Inborn genetic diseases. Identifiers: MedGen C0950123, MeSH D030342.

Allele frequency attached by ClinVar (database versions not stated): ExAC 0.00004.
gnomAD v4.1: 33 of 1,614,002 alleles (0.002%); highest among the groups gnomAD compares: South Asian, 0.0044%; no homozygotes.

Submissions (2):

Ambry Genetics
Classification: Uncertain significance for Inborn genetic diseases. Last evaluated: 2025-08-28. Review status: criteria provided, single submitter. Criteria: Ambry Variant Classification Scheme 2023. Collection method: clinical testing. Allele origin: germline.

Labcorp Genetics (formerly Invitae), Labcorp
Classification: Uncertain significance. Last evaluated: 2025-07-10. Review status: criteria provided, single submitter. Criteria: Invitae Variant Classification Sherloc (09022015). Collection method: clinical testing. Allele origin: germline.
Comment: This sequence change replaces serine, which is neutral and polar, with leucine, which is neutral and non-polar, at codon 1909 of the CENPF protein (p.Ser1909Leu). This variant is present in population databases (rs763314217, gnomAD 0.004%). This variant has not been reported in the literature in individuals affected with CENPF-related conditions. ClinVar contains an entry for this variant (Variation ID: 2463422). An algorithm developed to predict the effect of missense changes on protein structure and function outputs the following: PolyPhen-2: "Benign". The leucine amino acid residue is found in multiple mammalian species, which suggests that this missense change does not adversely affect protein function. In summary, the available evidence is currently insufficient to determine the role of this variant in disease. Therefore, it has been classified as a Variant of Uncertain Significance.

NM_016343.4(CENPF):c.5726C>T (p.Ser1909Leu)

Gene: CENPF (centromere protein F; plus strand). Cytogenetic location: 1q41.
Variant type: single nucleotide variant.
Coding change: c.5726C>T on transcript NM_016343.4 (MANE Select); coding-DNA position 5726, C replaced by T.
Protein change: p.Ser1909Leu; replaces serine 1909 with leucine.
Molecular consequence: missense variant.
Genome position (GRCh38, 1-based): chr1:214,645,296, C>T. VCF-style: chr1-214645296-C-T. GRCh37 (hg19) VCF-style: chr1-214818639-C-T.
Other names: short protein forms S1909L.
Identifiers: ClinVar variation 2463422 (VCV002463422.4), dbSNP rs763314217, ClinGen allele CA1390832.